The following is an entry in ClinVar:

ClinVar aggregate classification (germline): Benign (1 of 4 stars; one submission).

Allele frequency attached by ClinVar (database versions not stated): gnomAD 0.00236; 1000 Genomes Project 0.00280; TOPMed 0.00296; 1000 Genomes Project 30x 0.00344.
gnomAD v4.1: 455 of 398,494 alleles (0.11%); highest among the groups gnomAD compares: African/African-American, 0.83%; 2 homozygotes.

Submission:

CeGaT Center for Human Genetics Tuebingen
Classification: Benign. Last evaluated: 2026-04-01. Review status: criteria provided, single submitter. Criteria: CeGaT Center For Human Genetics Tuebingen Variant Classification Criteria Version 2. Collection method: clinical testing. Allele origin: germline. Affected: yes. Observed: 3 variant alleles.
Comment: KCNQ1OT1: BS1, BS2

NM_000218.3(KCNQ1):c.1394-32353A>G

Genes: KCNQ1 (potassium voltage-gated channel subfamily Q member 1; plus strand), KCNQ1OT1 (KCNQ1 opposite strand/antisense transcript 1; minus strand). Cytogenetic location: 11p15.5.
Variant type: single nucleotide variant.
Coding change: c.1394-32353A>G on transcript NM_000218.3 (MANE Select); 32353 bases into the intron before coding-DNA position 1394, A replaced by G.
Molecular consequence: intron variant. On other transcripts: non-coding transcript variant (1).
Genome position (GRCh38, 1-based): chr11:2,629,608, A>G. VCF-style: chr11-2629608-A-G. GRCh37 (hg19) VCF-style: chr11-2650838-A-G.
Other names: c.1124-32353A>G (NM_001406837.1); c.1298-32353A>G (NM_001406836.1); c.854-32353A>G (NM_001406838.1); c.1013-32353A>G (NM_181798.2).
Identifiers: ClinVar variation 3026363 (VCV003026363.22), dbSNP rs141480262, ClinGen allele CA216144119.
Genomic context (GRCh38, chr11:2,629,608, plus strand): 5'-AGGATATCCAGTTTTCCTGGCACCATTTGTTGAAAAGAGAATCCATTTGCCATTGAATGG[A>G]CATGGCATGCTTGTCAGAAATCATGCGTTCATATATGAAAGGATTTATTTGGGAGCTCTC-3'